The following is an entry in ClinVar:

ClinVar aggregate classification (germline): Uncertain significance (1 of 4 stars; one submission).

Submission:

GeneDx
Classification: Uncertain significance. Last evaluated: 2026-05-18. Review status: criteria provided, single submitter. Criteria: GeneDx Variant Classification Process June 2021. Collection method: clinical testing. Allele origin: germline.
Comment: Not observed at significant frequency in large population cohorts (gnomAD); Frameshift variant predicted to result in protein truncation or nonsense mediated decay in a gene or region of a gene for which loss of function is not a well-established mechanism of disease; Has not been previously published as pathogenic or benign to our knowledge; Reported using an alternate transcript of the gene

NM_001195553.2(DCX):c.-22-394_-22-391delinsGTTTCCTCACACATCTGTTT

Gene: DCX (doublecortin; minus strand). Cytogenetic location: Xq23.
Variant type: Indel.
Coding change: c.-22-394_-22-391delinsGTTTCCTCACACATCTGTTT on transcript NM_001195553.2 (MANE Select); 394 bases into the intron before 22 bases upstream of the start codon through 391 bases into the intron before 22 bases upstream of the start codon, AAAC replaced by GTTTCCTCACACATCTGTTT.
Molecular consequence: intron variant. On other transcripts: frameshift variant (1).
Genome position (GRCh38, 1-based): chrX:111,410,811-111,410,814, GTTT replaced by AAACAGATGTGTGAGGAAAC on the plus strand (AAAC replaced by GTTTCCTCACACATCTGTTT on the coding strand, the reverse complement: DCX is on the minus strand). VCF-style: chrX-111410811-GTTT-AAACAGATGTGTGAGGAAAC. GRCh37 (hg19) VCF-style: chrX-110654039-GTTT-AAACAGATGTGTGAGGAAAC.
Other names: c.161_164delinsGTTTCCTCACACATCTGTTT, p.Glu54fs (NM_000555.3); c.-22-394_-22-391delinsGTTTCCTCACACATCTGTTT (NM_001369373.1, NM_178153.3, NM_001369372.1 and 6 more transcripts); short protein forms E54fs.
Identifiers: ClinVar variation 3252240 (VCV003252240.2), dbSNP rs2524861937.